The following is an entry in ClinVar:

NM_025114.4(CEP290):c.-9G>A

Gene: CEP290 (centrosomal protein 290; minus strand). Cytogenetic location: 12q21.32.
Variant type: single nucleotide variant.
Coding change: c.-9G>A on transcript NM_025114.4 (MANE Select); 9 bases upstream of the start codon, G replaced by A.
Molecular consequence: 5 prime UTR variant.
Genome position (GRCh38, 1-based): chr12:88,141,316, C>T on the plus strand (G>A on the coding strand, the complement: CEP290 is on the minus strand). VCF-style: chr12-88141316-C-T. GRCh37 (hg19) VCF-style: chr12-88535093-C-T.
Identifiers: ClinVar variation 3353964 (VCV003353964.1).

ClinVar aggregate classification (germline): Likely benign (0 of 4 stars; one submission).

Conditions:
CEP290-related disorder. Also called: CEP290-related condition; CEP290-related disorders. Identifiers: MedGen CN239314.

gnomAD v4.1: 1 of 1,583,110 alleles (0.000063%); highest among the groups gnomAD compares: East Asian, 0.0023%; no homozygotes.

Submission:

PreventionGenetics, part of Exact Sciences
Classification: Likely benign for CEP290-related condition. Last evaluated: 2022-03-21. Review status: no assertion criteria provided. Collection method: clinical testing. Allele origin: germline.
Comment: This variant is classified as likely benign based on ACMG/AMP sequence variant interpretation guidelines (Richards et al. 2015 PMID: 25741868, with internal and published modifications).